The following is an entry in ClinVar:

NM_000388.4(CASR):c.326A>G (p.Glu109Gly)

Gene: CASR (calcium sensing receptor; plus strand). Cytogenetic location: 3q21.1.
Variant type: single nucleotide variant.
Coding change: c.326A>G on transcript NM_000388.4 (MANE Select); coding-DNA position 326, A replaced by G.
Protein change: p.Glu109Gly; replaces glutamic acid 109 with glycine.
Molecular consequence: missense variant.
Genome position (GRCh38, 1-based): chr3:122,257,221, A>G. VCF-style: chr3-122257221-A-G. GRCh37 (hg19) VCF-style: chr3-121976068-A-G.
Other names: c.326A>G, p.Glu109Gly (NM_001178065.2); short protein forms E109G.
Identifiers: ClinVar variation 3231575 (VCV003231575.1), dbSNP rs2473214624, ClinGen allele CA354362653.

ClinVar aggregate classification (germline): Uncertain significance (1 of 4 stars; one submission).

Conditions:
Nephrolithiasis/nephrocalcinosis. Identifiers: MedGen CN580796.

Submission:

Ambry Genetics
Classification: Uncertain significance for Nephrolithiasis/nephrocalcinosis. Last evaluated: 2023-08-29. Review status: criteria provided, single submitter. Criteria: Ambry Variant Classification Scheme 2023. Collection method: clinical testing. Allele origin: germline.
Comment: The p.E109G variant (also known as c.326A>G), located in coding exon 2 of the CASR gene, results from an A to G substitution at nucleotide position 326. The glutamic acid at codon 109 is replaced by glycine, an amino acid with similar properties. This amino acid position is conserved. In addition, this alteration is predicted to be deleterious by in silico analysis. Since supporting evidence is limited at this time, the clinical significance of this alteration remains unclear.